The following is an entry in ClinVar:

ClinVar aggregate classification (germline): Uncertain significance (1 of 4 stars; one submission).

Conditions:
Epilepsy, progressive myoclonic, 1B. Also called: PME. Identifiers: Orphanet 308, MedGen C2676254, MONDO:0012904, OMIM 612437.

Allele frequency attached by ClinVar (database versions not stated): gnomAD exomes below 0.00001.
gnomAD v4.1: 4 of 1,613,890 alleles (0.00025%); highest among the groups gnomAD compares: Non-Finnish European, 0.00034%; no homozygotes.

Submission:

Labcorp Genetics (formerly Invitae), Labcorp
Classification: Uncertain significance for Epilepsy, progressive myoclonic, 1B. Last evaluated: 2022-08-05. Review status: criteria provided, single submitter. Criteria: Invitae Variant Classification Sherloc (09022015). Collection method: clinical testing. Allele origin: germline.
Comment: This sequence change replaces leucine, which is neutral and non-polar, with valine, which is neutral and non-polar, at codon 72 of the PRICKLE1 protein (p.Leu72Val). This variant is present in population databases (no rsID available, gnomAD 0.0009%). This variant has not been reported in the literature in individuals affected with PRICKLE1-related conditions. ClinVar contains an entry for this variant (Variation ID: 839542). Algorithms developed to predict the effect of missense changes on protein structure and function (SIFT, PolyPhen-2, Align-GVGD) all suggest that this variant is likely to be disruptive. Algorithms developed to predict the effect of sequence changes on RNA splicing suggest that this variant may disrupt the consensus splice site. In summary, the available evidence is currently insufficient to determine the role of this variant in disease. Therefore, it has been classified as a Variant of Uncertain Significance.

NM_153026.3(PRICKLE1):c.214C>G (p.Leu72Val)

Gene: PRICKLE1 (prickle planar cell polarity protein 1; minus strand). Cytogenetic location: 12q12.
Variant type: single nucleotide variant.
Coding change: c.214C>G on transcript NM_153026.3 (MANE Select); coding-DNA position 214, C replaced by G.
Protein change: p.Leu72Val; replaces leucine 72 with valine.
Molecular consequence: missense variant.
Genome position (GRCh38, 1-based): chr12:42,470,278, G>C on the plus strand (C>G on the coding strand, the complement: PRICKLE1 is on the minus strand). VCF-style: chr12-42470278-G-C. GRCh37 (hg19) VCF-style: chr12-42864080-G-C.
Other names: c.214C>G, p.Leu72Val (NM_001144881.2, NM_001144882.2, NM_001144883.2); short protein forms L72V.
Identifiers: ClinVar variation 839542 (VCV000839542.8), dbSNP rs925234164, ClinGen allele CA235494583.